The following is an entry in ClinVar:

NM_017777.4(MKS1):c.1025-2A>C

Gene: MKS1 (MKS transition zone complex subunit 1; minus strand). Cytogenetic location: 17q22.
Variant type: single nucleotide variant.
Coding change: c.1025-2A>C on transcript NM_017777.4 (MANE Select); the canonical splice acceptor site of the intron before coding-DNA position 1025, A replaced by C.
Molecular consequence: splice acceptor variant.
Genome position (GRCh38, 1-based): chr17:58,208,585, T>G on the plus strand (A>C on the coding strand, the complement: MKS1 is on the minus strand). VCF-style: chr17-58208585-T-G. GRCh37 (hg19) VCF-style: chr17-56285946-T-G.
Other names: c.416-2A>C (NM_001321268.2); c.1025-2A>C (NM_001330397.2, NM_001321269.2, NM_001411113.1).
Identifiers: ClinVar variation 194102 (VCV000194102.9), dbSNP rs794727070, ClinGen allele CA346858.

ClinVar aggregate classification (germline): Pathogenic/Likely pathogenic. Review status: criteria provided, multiple submitters, no conflicts (2 of 4 stars). 4 submissions from 4 submitters: Pathogenic (1); Likely pathogenic (1). 2 of the submissions do not count toward it. Last evaluated 2023-08-08.

Conditions:
MKS1-related disorder. Also called: MKS1-related disorders; MKS1-related condition. Identifiers: MedGen CN239382.
Joubert syndrome 28 (JBTS28). Identifiers: MedGen C4310705, MONDO:0014928, OMIM 617121.
Bardet-Biedl syndrome 13 (BBS13). Identifiers: Orphanet 110, MedGen C2673873, MONDO:0014441, OMIM 615990.
Meckel syndrome, type 1 (MKS1). Also called: MECKEL-GRUBER SYNDROME, TYPE 1. Identifiers: Orphanet 564, MedGen C3714506, MONDO:0009571, OMIM 249000.

gnomAD v4.1: 1 of 1,614,070 alleles (0.000062%); highest among the groups gnomAD compares: Non-Finnish European, 0.000085%; no homozygotes.

Submissions (4):

Baylor Genetics
Classification: Likely pathogenic for Bardet-Biedl syndrome 13. Last evaluated: 2023-08-08. Review status: criteria provided, single submitter. Criteria: ACMG Guidelines, 2015. Collection method: clinical testing. Allele origin: unknown.

Eurofins Ntd Llc (ga)
Classification: Pathogenic. Last evaluated: 2015-04-07. Review status: criteria provided, single submitter. Criteria: EGL Classification Definitions 2015. Collection method: clinical testing. Allele origin: germline. Observed: 1 variant allele, 1 heterozygote.

PreventionGenetics, part of Exact Sciences
Classification: Likely pathogenic for MKS1-related condition. Last evaluated: 2023-11-02. Review status: no assertion criteria provided. Collection method: clinical testing. Allele origin: germline. Not counted in ClinVar's aggregate classification.
Comment: The MKS1 c.1025-2A>C variant is predicted to disrupt the AG splice acceptor site and interfere with normal splicing. To our knowledge, this variant has not been reported in the literature or in a large population database, indicating this variant is rare. Variants that disrupt the consensus splice acceptor site in MKS1 are expected to be pathogenic. This variant is interpreted as likely pathogenic.

Counsyl
Classification: Likely pathogenic for Meckel syndrome, type 1; Bardet-Biedl syndrome 13; Joubert syndrome 28. Last evaluated: 2017-12-27. Review status: no assertion criteria provided. Collection method: clinical testing. Allele origin: unknown. Not counted in ClinVar's aggregate classification.